The following is an entry in ClinVar:

ClinVar aggregate classification (germline): Uncertain significance (1 of 4 stars; one submission).

Allele frequency attached by ClinVar (database versions not stated): gnomAD exomes below 0.00001.
gnomAD v4.1: 1 of 1,614,122 alleles (0.000062%); highest among the groups gnomAD compares: Non-Finnish European, 0.000085%; no homozygotes.

Submission:

Labcorp Genetics (formerly Invitae), Labcorp
Classification: Uncertain significance. Last evaluated: 2023-04-09. Review status: criteria provided, single submitter. Criteria: Invitae Variant Classification Sherloc (09022015). Collection method: clinical testing. Allele origin: germline.
Comment: In summary, the available evidence is currently insufficient to determine the role of this variant in disease. Therefore, it has been classified as a Variant of Uncertain Significance. Advanced modeling of protein sequence and biophysical properties (such as structural, functional, and spatial information, amino acid conservation, physicochemical variation, residue mobility, and thermodynamic stability) performed at Invitae indicates that this missense variant is not expected to disrupt MTOR protein function. This variant has not been reported in the literature in individuals affected with MTOR-related conditions. This variant is not present in population databases (gnomAD no frequency). This sequence change replaces leucine, which is neutral and non-polar, with phenylalanine, which is neutral and non-polar, at codon 396 of the MTOR protein (p.Leu396Phe).

NM_004958.4(MTOR):c.1188G>T (p.Leu396Phe)

Gene: MTOR (mechanistic target of rapamycin kinase; minus strand). Cytogenetic location: 1p36.22.
Variant type: single nucleotide variant.
Coding change: c.1188G>T on transcript NM_004958.4 (MANE Select); coding-DNA position 1188, G replaced by T.
Protein change: p.Leu396Phe; replaces leucine 396 with phenylalanine.
Molecular consequence: missense variant. On other transcripts: intron variant (1).
Genome position (GRCh38, 1-based): chr1:11,247,662, C>A on the plus strand (G>T on the coding strand, the complement: MTOR is on the minus strand). VCF-style: chr1-11247662-C-A. GRCh37 (hg19) VCF-style: chr1-11307719-C-A.
Other names: c.1188G>T, p.Leu396Phe (NM_001386500.1); c.-24+157G>T (NM_001386501.1); short protein forms L396F.
Identifiers: ClinVar variation 2853930 (VCV002853930.3), dbSNP rs2523386060, ClinGen allele CA338399080.
Genomic context (GRCh38, chr1:11,247,662, plus strand): 5'-ATGTCTTCCATGGACATCCTCACCTGTGAAGGCAGAAGGTCGGAATGCAGCCAAGCGGGG[C>A]AACAAATTAAGGATTGTCATTTGGATCAGCGAGTTCTTGCTATTCCTGCATTTCAGCACC-3'
Protein context (NP_004949.1, residues 386-406): SLIQMTILNL[Leu396Phe]PRLAAFRPSA